The following is an entry in ClinVar:

ClinVar aggregate classification (germline): Likely benign. Review status: criteria provided, multiple submitters, no conflicts (2 of 4 stars). 3 submissions from 3 submitters: Likely benign (2). 1 of the submissions does not count toward it. Last evaluated 2024-02-02.

Conditions:
TRNT1-related disorder. Also called: TRNT1-related condition; TRNT1-related disorders.
Congenital sideroblastic anemia-B-cell immunodeficiency-periodic fever-developmental delay syndrome. Also called: Sideroblastic anemia with B-cell immunodeficiency, periodic fevers, and developmental delay. Identifiers: Orphanet 369861, MedGen C4015172, MONDO:0014487, OMIM 616084.

Allele frequency attached by ClinVar (database versions not stated): gnomAD 0.00001; gnomAD exomes 0.00001; TOPMed 0.00003.
gnomAD v4.1: 18 of 1,613,802 alleles (0.0011%); highest among the groups gnomAD compares: Non-Finnish European, 0.0015%; no homozygotes.

Submissions (3):

Labcorp Genetics (formerly Invitae), Labcorp
Classification: Likely benign for Congenital sideroblastic anemia-B-cell immunodeficiency-periodic fever-developmental delay syndrome. Last evaluated: 2024-02-02. Review status: criteria provided, single submitter. Criteria: Invitae Variant Classification Sherloc (09022015). Collection method: clinical testing. Allele origin: germline.

Blueprint Genetics
Classification: Likely benign. Last evaluated: 2022-08-25. Review status: criteria provided, single submitter. Criteria: ACMG Guidelines, 2015. Collection method: clinical testing. Allele origin: germline.

PreventionGenetics, part of Exact Sciences
Classification: Likely benign for TRNT1-related condition. Last evaluated: 2020-03-19. Review status: no assertion criteria provided. Collection method: clinical testing. Allele origin: germline. Not counted in ClinVar's aggregate classification.
Comment: This variant is classified as likely benign based on ACMG/AMP sequence variant interpretation guidelines (Richards et al. 2015 PMID: 25741868, with internal and published modifications).

NM_182916.3(TRNT1):c.45T>C (p.Arg15=)

Gene: TRNT1 (tRNA nucleotidyl transferase 1; plus strand). Cytogenetic location: 3p26.2.
Variant type: single nucleotide variant.
Coding change: c.45T>C on transcript NM_182916.3 (MANE Select); coding-DNA position 45, T replaced by C.
Protein change: p.Arg15=; no amino-acid change (arginine 15 retained).
Molecular consequence: synonymous variant. On other transcripts: non-coding transcript variant (11).
Genome position (GRCh38, 1-based): chr3:3,129,085, T>C. VCF-style: chr3-3129085-T-C. GRCh37 (hg19) VCF-style: chr3-3170769-T-C.
Other names: c.45T>C, p.Arg15= (NM_001302946.2, NM_001367321.1, NM_001367322.1 and 1 more transcripts); c.45T>C (NM_182916.2).
Identifiers: ClinVar variation 1095776 (VCV001095776.10), dbSNP rs759180902, ClinGen allele CA68723100.